The following is an entry in ClinVar:

ClinVar aggregate classification (germline): Uncertain significance (1 of 4 stars; one submission).

gnomAD v4.1: 5 of 1,614,030 alleles (0.00031%); highest among the groups gnomAD compares: African/African-American, 0.0013%; no homozygotes.

Submission:

GeneDx
Classification: Uncertain significance. Last evaluated: 2024-07-25. Review status: criteria provided, single submitter. Criteria: GeneDx Variant Classification Process June 2021. Collection method: clinical testing. Allele origin: germline. Affected: yes.
Comment: Not observed at significant frequency in large population cohorts (gnomAD); In silico analysis supports that this missense variant has a deleterious effect on protein structure/function; Has not been previously published as pathogenic or benign to our knowledge

NM_002240.5(KCNJ6):c.896A>G (p.Lys299Arg)

Genes: KCNJ6 (potassium inwardly rectifying channel subfamily J member 6; minus strand), KCNJ6-AS1 (KCNJ6 antisense RNA 1; plus strand). Cytogenetic location: 21q22.13.
Variant type: single nucleotide variant.
Coding change: c.896A>G on transcript NM_002240.5 (MANE Select); coding-DNA position 896, A replaced by G.
Protein change: p.Lys299Arg; replaces lysine 299 with arginine.
Molecular consequence: missense variant. On other transcripts: non-coding transcript variant (1).
Genome position (GRCh38, 1-based): chr21:37,714,261, T>C on the plus strand (A>G on the coding strand, the complement: KCNJ6 is on the minus strand). VCF-style: chr21-37714261-T-C. GRCh37 (hg19) VCF-style: chr21-39086564-T-C.
Other names: short protein forms K299R.
Identifiers: ClinVar variation 3600872 (VCV003600872.1).
Genomic context (GRCh38, chr21:37,714,261, plus strand): 5'-CACATCTTACCTGTGGCTTCCACCATTCCTTCTAGGATGACCACAATTTCCAGTTCCTCT[T>C]TGGGCAGCTGGGCTTTGGAGATCTCCCAGAAAGGACTCTGTTGGTTAATTTCATGGCTAA-3'
Protein context (NP_002231.1, residues 289-309): FWEISKAQLP[Lys299Arg]EELEIVVILE